The following is an entry in ClinVar:

ClinVar aggregate classification (germline): Uncertain significance (1 of 4 stars; one submission).

gnomAD v4.1: 20 of 1,613,968 alleles (0.0012%); highest among the groups gnomAD compares: Non-Finnish European, 0.0016%; no homozygotes.

Submission:

Ambry Genetics
Classification: Uncertain significance. Last evaluated: 2024-01-03. Review status: criteria provided, single submitter. Criteria: Ambry Variant Classification Scheme 2023. Collection method: clinical testing. Allele origin: germline.
Comment: The p.S289T variant (also known as c.866G>C), located in coding exon 8 of the RAD54L gene, results from a G to C substitution at nucleotide position 866. The serine at codon 289 is replaced by threonine, an amino acid with similar properties. This amino acid position is conserved. In addition, this alteration is predicted to be tolerated by in silico analysis. Since supporting evidence is limited at this time, the clinical significance of this alteration remains unclear.

NM_003579.4(RAD54L):c.866G>C (p.Ser289Thr)

Gene: RAD54L (RAD54 like; plus strand). Cytogenetic location: 1p34.1.
Variant type: single nucleotide variant.
Coding change: c.866G>C on transcript NM_003579.4 (MANE Select); coding-DNA position 866, G replaced by C.
Protein change: p.Ser289Thr; replaces serine 289 with threonine.
Molecular consequence: missense variant.
Genome position (GRCh38, 1-based): chr1:46,261,360, G>C. VCF-style: chr1-46261360-G-C. GRCh37 (hg19) VCF-style: chr1-46727032-G-C.
Other names: c.866G>C, p.Ser289Thr (NM_001142548.2); c.326G>C, p.Ser109Thr (NM_001370766.1); short protein forms S109T, S289T.
Identifiers: ClinVar variation 1764240 (VCV001764240.2), dbSNP rs371268995, ClinGen allele CA340189330.